The following is an entry in ClinVar:

NM_001370658.1(BTD):c.1047G>A (p.Pro349=)

Gene: BTD (biotinidase; plus strand). Cytogenetic location: 3p25.1.
Variant type: single nucleotide variant.
Coding change: c.1047G>A on transcript NM_001370658.1 (MANE Select); coding-DNA position 1047, G replaced by A.
Protein change: p.Pro349=; no amino-acid change (proline 349 retained).
Molecular consequence: synonymous variant. On other transcripts: intron variant (8).
Genome position (GRCh38, 1-based): chr3:15,644,963, G>A. VCF-style: chr3-15644963-G-A. GRCh37 (hg19) VCF-style: chr3-15686470-G-A.
Other names: c.1047G>A, p.Pro349= (NM_001281723.4, NM_001281724.3, NM_001281725.3 and 16 more transcripts); c.1015+32G>A (NM_001370752.1, NM_001407379.1); c.399+2906G>A (NM_001370753.1, NM_001407400.1, NM_001407380.1 and 3 more transcripts).
Identifiers: ClinVar variation 1574497 (VCV001574497.36), dbSNP rs140890299, ClinGen allele CA2277424.

ClinVar aggregate classification (germline): Likely benign. Review status: criteria provided, multiple submitters, no conflicts (2 of 4 stars). 3 submissions from 3 submitters: Likely benign (3). Last evaluated 2025-08-11.

Conditions:
Biotinidase deficiency. Also called: Biotin deficiency; BTD deficiency; Late-onset biotin-responsive multiple carboxylase deficiency. Identifiers: Orphanet 79241, MedGen C0220754, MONDO:0009665, OMIM 253260.

Allele frequency attached by ClinVar (database versions not stated): gnomAD exomes 0.00005 and 0.00006; ExAC 0.00007; gnomAD 0.00008 and 0.00009; TOPMed 0.00008; ESP Exome Variant Server 0.00015.
gnomAD v4.1: 84 of 1,614,054 alleles (0.0052%); highest among the groups gnomAD compares: African/African-American, 0.019%; no homozygotes.

Submissions (3):

Labcorp Genetics (formerly Invitae), Labcorp
Classification: Likely benign for Biotinidase deficiency. Last evaluated: 2025-08-11. Review status: criteria provided, single submitter. Criteria: Invitae Variant Classification Sherloc (09022015). Collection method: clinical testing. Allele origin: germline.

CeGaT Center for Human Genetics Tuebingen
Classification: Likely benign. Last evaluated: 2022-12-01. Review status: criteria provided, single submitter. Criteria: CeGaT Center For Human Genetics Tuebingen Variant Classification Criteria Version 2. Collection method: clinical testing. Allele origin: germline. Affected: yes. Observed: 1 variant allele.
Comment: BTD: BP4, BP7

Blueprint Genetics
Classification: Likely benign. Last evaluated: 2022-10-11. Review status: criteria provided, single submitter. Criteria: ACMG Guidelines, 2015. Collection method: clinical testing. Allele origin: germline.